The following is an entry in ClinVar:

NM_025144.4(ALPK1):c.481C>T (p.Leu161Phe)

Gene: ALPK1 (alpha kinase 1; plus strand). Cytogenetic location: 4q25.
Variant type: single nucleotide variant.
Coding change: c.481C>T on transcript NM_025144.4 (MANE Select); coding-DNA position 481, C replaced by T.
Protein change: p.Leu161Phe; replaces leucine 161 with phenylalanine.
Molecular consequence: missense variant.
Genome position (GRCh38, 1-based): chr4:112,423,949, C>T. VCF-style: chr4-112423949-C-T. GRCh37 (hg19) VCF-style: chr4-113345105-C-T.
Other names: c.247C>T, p.Leu83Phe (NM_001253884.2); c.481C>T, p.Leu161Phe (NM_001102406.2); short protein forms L161F, L83F.
Identifiers: ClinVar variation 4777881 (VCV004777881.1).
Genomic context (GRCh38, chr4:112,423,949, plus strand): 5'-ATTGTTAAGTGCATGTTCAAAGCTAATTGTGTGGCATTTGGTTGCTGCTTTTCAGGAAAA[C>T]TTTTAAAAGCAGAGTATATTCTGAGCAGTCTAATAAGCAACAATGGAGCAACGGGTGAGT-3'
Protein context (NP_079420.3, residues 151-171): QARISVNSGK[Leu161Phe]LKAEYILSSL

ClinVar aggregate classification (germline): Uncertain significance (1 of 4 stars; one submission).

gnomAD v4.1: 3 of 1,613,846 alleles (0.00019%); highest among the groups gnomAD compares: Admixed American, 0.0017%; no homozygotes.

Submission:

Labcorp Genetics (formerly Invitae), Labcorp
Classification: Uncertain significance. Last evaluated: 2025-08-04. Review status: criteria provided, single submitter. Criteria: Invitae Variant Classification Sherloc (09022015). Collection method: clinical testing. Allele origin: germline.
Comment: This sequence change replaces leucine, which is neutral and non-polar, with phenylalanine, which is neutral and non-polar, at codon 161 of the ALPK1 protein (p.Leu161Phe). This variant is present in population databases (no rsID available, gnomAD 0.003%). This variant has not been reported in the literature in individuals affected with ALPK1-related conditions. Invitae Evidence Modeling of protein sequence and biophysical properties (such as structural, functional, and spatial information, amino acid conservation, physicochemical variation, residue mobility, and thermodynamic stability) indicates that this missense variant is expected to disrupt ALPK1 protein function with a positive predictive value of 80%. In summary, the available evidence is currently insufficient to determine the role of this variant in disease. Therefore, it has been classified as a Variant of Uncertain Significance.